The following is an entry in ClinVar:

NM_001195248.2(APTX):c.350G>C (p.Arg117Thr)

Gene: APTX (aprataxin; minus strand). Cytogenetic location: 9p21.1.
Variant type: single nucleotide variant.
Coding change: c.350G>C on transcript NM_001195248.2 (MANE Select); coding-DNA position 350, G replaced by C.
Protein change: p.Arg117Thr; replaces arginine 117 with threonine.
Molecular consequence: missense variant. On other transcripts: non-coding transcript variant (13), intron variant (1).
Genome position (GRCh38, 1-based): chr9:32,987,677, C>G on the plus strand (G>C on the coding strand, the complement: APTX is on the minus strand). VCF-style: chr9-32987677-C-G. GRCh37 (hg19) VCF-style: chr9-32987675-C-G.
Other names: c.350G>C, p.Arg117Thr (NM_001195249.2, NM_001195251.2, NM_001368995.1 and 6 more transcripts); c.188G>C, p.Arg63Thr (NM_001195250.2, NM_001195254.2, NM_001369000.1 and 1 more transcripts); c.86G>C, p.Arg29Thr (NM_001369002.1, NM_001369003.1, NM_001369004.1 and 5 more transcripts); c.267+83G>C (NM_001195252.2); short protein forms R29T, R117T, R63T.
Identifiers: ClinVar variation 1445790 (VCV001445790.3), dbSNP rs200419760, ClinGen allele CA373179845.

ClinVar aggregate classification (germline): Uncertain significance (1 of 4 stars; one submission).

Submission:

Labcorp Genetics (formerly Invitae), Labcorp
Classification: Uncertain significance. Last evaluated: 2021-09-17. Review status: criteria provided, single submitter. Criteria: Invitae Variant Classification Sherloc (09022015). Collection method: clinical testing. Allele origin: germline.
Comment: This sequence change replaces arginine with threonine at codon 117 of the APTX protein (p.Arg117Thr). The arginine residue is weakly conserved and there is a moderate physicochemical difference between arginine and threonine. This variant is not present in population databases (ExAC no frequency). This variant has not been reported in the literature in individuals affected with APTX-related conditions. Algorithms developed to predict the effect of missense changes on protein structure and function (SIFT, PolyPhen-2, Align-GVGD) all suggest that this variant is likely to be tolerated. In summary, the available evidence is currently insufficient to determine the role of this variant in disease. Therefore, it has been classified as a Variant of Uncertain Significance.